The following is an entry in ClinVar:

NM_025145.7(CFAP43):c.2680C>T (p.Arg894Ter)

Gene: CFAP43 (cilia and flagella associated protein 43; minus strand). Cytogenetic location: 10q25.1.
Variant type: single nucleotide variant.
Coding change: c.2680C>T on transcript NM_025145.7 (MANE Select); coding-DNA position 2680, C replaced by T.
Protein change: p.Arg894Ter; replaces arginine 894 with a stop codon.
Molecular consequence: nonsense.
Genome position (GRCh38, 1-based): chr10:104,168,755, G>A on the plus strand (C>T on the coding strand, the complement: CFAP43 is on the minus strand). VCF-style: chr10-104168755-G-A. GRCh37 (hg19) VCF-style: chr10-105928513-G-A.
Other names: short protein forms R894*.
Identifiers: ClinVar variation 4077911 (VCV004077911.2).

ClinVar aggregate classification (germline): Pathogenic/Likely pathogenic. Review status: criteria provided, multiple submitters, no conflicts (2 of 4 stars). 2 submissions from 2 submitters: Pathogenic (1); Likely pathogenic (1). Last evaluated 2025-05-07.

Conditions:
Spermatogenic failure 19. Identifiers: MedGen C4539818, MONDO:0054723, OMIM 617592.

gnomAD v4.1: 13 of 1,613,724 alleles (0.00081%); highest among the groups gnomAD compares: East Asian, 0.0022%; no homozygotes.

Submissions (2):

First Genomix Gene Laboratory, Genetic Diagnostics Department
Classification: Likely pathogenic for Spermatogenic failure 19. Last evaluated: 2025-05-07. Review status: criteria provided, single submitter. Criteria: ACMG Guidelines, 2015. Collection method: clinical testing. Allele origin: germline. Inheritance: Autosomal recessive inheritance. Affected: no. Observed: 1 variant allele.

Revvity Omics, Revvity
Classification: Pathogenic. Last evaluated: 2025-02-03. Review status: criteria provided, single submitter. Criteria: ACMG Guidelines, 2015. Collection method: clinical testing. Allele origin: germline.